The following is an entry in ClinVar:

ClinVar aggregate classification (germline): Uncertain significance (1 of 4 stars; one submission).

gnomAD v4.1: 8 of 1,613,780 alleles (0.0005%); highest among the groups gnomAD compares: Admixed American, 0.0017%; no homozygotes.

Submission:

Ambry Genetics
Classification: Uncertain significance. Last evaluated: 2025-05-04. Review status: criteria provided, single submitter. Criteria: Ambry Variant Classification Scheme 2023. Collection method: clinical testing. Allele origin: germline.
Comment: The p.P93L variant (also known as c.278C>T), located in coding exon 2 of the GFI1 gene, results from a C to T substitution at nucleotide position 278. The proline at codon 93 is replaced by leucine, an amino acid with similar properties. This amino acid position is conserved. In addition, this alteration is predicted to be tolerated by in silico analysis. Based on the available evidence, the clinical significance of this variant remains unclear.

NM_005263.5(GFI1):c.278C>T (p.Pro93Leu)

Gene: GFI1 (growth factor independent 1 transcriptional repressor; minus strand). Cytogenetic location: 1p22.1.
Variant type: single nucleotide variant.
Coding change: c.278C>T on transcript NM_005263.5 (MANE Select); coding-DNA position 278, C replaced by T.
Protein change: p.Pro93Leu; replaces proline 93 with leucine.
Molecular consequence: missense variant.
Genome position (GRCh38, 1-based): chr1:92,482,884, G>A on the plus strand (C>T on the coding strand, the complement: GFI1 is on the minus strand). VCF-style: chr1-92482884-G-A. GRCh37 (hg19) VCF-style: chr1-92948441-G-A.
Other names: c.278C>T, p.Pro93Leu (NM_001127215.3, NM_001127216.3); short protein forms P93L.
Identifiers: ClinVar variation 4029414 (VCV004029414.1).